The following is an entry in ClinVar:

ClinVar aggregate classification (germline): Conflicting classifications of pathogenicity. Review status: criteria provided, conflicting classifications (1 of 4 stars). 5 submissions from 5 submitters: Uncertain significance (1); Benign (1); Likely benign (3). Last evaluated 2026-01-11.

Conditions:
Hereditary cancer-predisposing syndrome. Also called: Neoplastic Syndromes, Hereditary; Hereditary Cancer Syndrome; Tumor predisposition; Hereditary neoplastic syndrome. Identifiers: Orphanet 140162, MedGen C0027672, MeSH D009386, MONDO:0015356.
Familial cancer of breast. Also called: BREAST CANCER, FAMILIAL; Hereditary breast cancer; hereditary breast carcinoma. Identifiers: Orphanet 227535, MedGen C0346153, MONDO:0016419, OMIM 114480. Disease mechanism: loss of function.
Fanconi anemia complementation group J. Also called: BRIP1-Related Fanconi Anemia. Identifiers: Orphanet 84, MedGen C1836860, MONDO:0012187, OMIM 609054.

Allele frequency attached by ClinVar (database versions not stated): gnomAD exomes below 0.00001.
gnomAD v4.1: 4 of 1,614,174 alleles (0.00025%); highest among the groups gnomAD compares: Non-Finnish European, 0.00017%; no homozygotes.

Submissions (5):

Labcorp Genetics (formerly Invitae), Labcorp
Classification: Likely benign for Familial cancer of breast; Fanconi anemia complementation group J. Last evaluated: 2026-01-11. Review status: criteria provided, single submitter. Criteria: Invitae Variant Classification Sherloc (09022015). Collection method: clinical testing. Allele origin: germline.

Myriad Genetics, Inc.
Classification: Benign for Familial cancer of breast. Last evaluated: 2024-09-03. Review status: criteria provided, single submitter. Criteria: Myriad Autosomal Dominant, Autosomal Recessive and X-Linked Classification Criteria (2023). Collection method: clinical testing. Allele origin: unknown.
Comment: This variant is considered benign. This variant is a silent/synonymous amino acid change and it is not expected to impact splicing.

Ambry Genetics
Classification: Likely benign for Hereditary cancer-predisposing syndrome. Last evaluated: 2020-11-30. Review status: criteria provided, single submitter. Criteria: Ambry Variant Classification Scheme 2023. Collection method: clinical testing. Allele origin: germline.

Color Diagnostics, LLC DBA Color Health
Classification: Likely benign for Hereditary cancer-predisposing syndrome. Last evaluated: 2019-06-24. Review status: criteria provided, single submitter. Criteria: ACMG Guidelines, 2015. Collection method: clinical testing. Allele origin: germline.

Quest Diagnostics Nichols Institute San Juan Capistrano
Classification: Uncertain significance. Last evaluated: 2019-05-02. Review status: criteria provided, single submitter. Criteria: Quest Diagnostics criteria. Collection method: clinical testing. Allele origin: germline.

NM_032043.3(BRIP1):c.2019A>G (p.Gln673=)

Gene: BRIP1 (BRCA1 interacting DNA helicase 1; minus strand). Cytogenetic location: 17q23.2.
Variant type: single nucleotide variant.
Coding change: c.2019A>G on transcript NM_032043.3 (MANE Select); coding-DNA position 2019, A replaced by G.
Protein change: p.Gln673=; no amino-acid change (glutamine 673 retained).
Molecular consequence: synonymous variant.
Genome position (GRCh38, 1-based): chr17:61,776,479, T>C on the plus strand (A>G on the coding strand, the complement: BRIP1 is on the minus strand). VCF-style: chr17-61776479-T-C. GRCh37 (hg19) VCF-style: chr17-59853840-T-C.
Identifiers: ClinVar variation 796533 (VCV000796533.19), dbSNP rs1008150951, ClinGen allele CA292280832.